The following is an entry in ClinVar:

NM_152263.4(TPM3):c.137C>T (p.Ala46Val)

Gene: TPM3 (tropomyosin 3; minus strand). Cytogenetic location: 1q21.3.
Variant type: single nucleotide variant.
Coding change: c.137C>T on transcript NM_152263.4 (MANE Select); coding-DNA position 137, C replaced by T.
Protein change: p.Ala46Val; replaces alanine 46 with valine.
Molecular consequence: missense variant. On other transcripts: non-coding transcript variant (1).
Genome position (GRCh38, 1-based): chr1:154,191,292, G>A on the plus strand (C>T on the coding strand, the complement: TPM3 is on the minus strand). VCF-style: chr1-154191292-G-A. GRCh37 (hg19) VCF-style: chr1-154163768-G-A.
Other names: c.137C>T, p.Ala46Val (NM_001364679.2, NM_001364680.2, NM_001364681.2 and 1 more transcripts); short protein forms A46V.
Identifiers: ClinVar variation 2951138 (VCV002951138.3), dbSNP rs2148294647, ClinGen allele CA342587281.
Genomic context (GRCh38, chr1:154,191,292, plus strand): 5'-TTCAAAGCTTCAGAATACTTGTCCAGCTCATCCTCTGTCCCTTTCAGCTTCTTCTGCATG[G>A]CTGCCAGCTCATCCTCCAGCTATAGGAGCCCAGAGAGTCACACACAAAAACACACAAACA-3'
Protein context (NP_689476.2, residues 36-56): RSKQLEDELA[Ala46Val]MQKKLKGTED

ClinVar aggregate classification (germline): Likely pathogenic (1 of 4 stars; one submission).

Conditions:
Congenital myopathy with fiber type disproportion. Also called: Congenital fiber-type disproportion; Congenital fiber-type disproportion myopathy. Identifiers: Orphanet 2020, MedGen C0546264, MONDO:0009711. Inheritance: all.
Congenital myopathy 4B, autosomal recessive. Also called: Nemaline myopathy 1, autosomal dominant or recessive. Identifiers: Orphanet 171433, Orphanet 171439, Orphanet 171881, MedGen C5829889, MONDO:0012239, OMIM 609284.

Submission:

Labcorp Genetics (formerly Invitae), Labcorp
Classification: Likely pathogenic for Congenital myopathy with fiber type disproportion; Congenital myopathy 4B, autosomal recessive. Last evaluated: 2023-09-12. Review status: criteria provided, single submitter. Criteria: Invitae Variant Classification Sherloc (09022015). Collection method: clinical testing. Allele origin: germline.
Comment: This variant is not present in population databases (gnomAD no frequency). In summary, the currently available evidence indicates that the variant is pathogenic, but additional data are needed to prove that conclusively. Therefore, this variant has been classified as Likely Pathogenic. Advanced modeling of protein sequence and biophysical properties (such as structural, functional, and spatial information, amino acid conservation, physicochemical variation, residue mobility, and thermodynamic stability) performed at Invitae indicates that this missense variant is not expected to disrupt TPM3 protein function. This missense change has been observed in individual(s) with clinical features of TPM3-related conditions (Invitae). In at least one individual the variant was observed to be de novo. This sequence change replaces alanine, which is neutral and non-polar, with valine, which is neutral and non-polar, at codon 46 of the TPM3 protein (p.Ala46Val).